The following is an entry in ClinVar:

NM_004360.5(CDH1):c.455A>C (p.Gln152Pro)

Gene: CDH1 (cadherin 1; plus strand). Cytogenetic location: 16q22.1.
Variant type: single nucleotide variant.
Coding change: c.455A>C on transcript NM_004360.5 (MANE Select); coding-DNA position 455, A replaced by C.
Protein change: p.Gln152Pro; replaces glutamine 152 with proline.
Molecular consequence: missense variant. On other transcripts: 5 prime UTR variant (2).
Genome position (GRCh38, 1-based): chr16:68,808,491, A>C. VCF-style: chr16-68808491-A-C. GRCh37 (hg19) VCF-style: chr16-68842394-A-C.
Other names: c.455A>C, p.Gln152Pro (NM_001317184.2); c.-1161A>C (NM_001317185.2); c.-1365A>C (NM_001317186.2); short protein forms Q152P.
Identifiers: ClinVar variation 845650 (VCV000845650.12), dbSNP rs1233421331, ClinGen allele CA396457650.

ClinVar aggregate classification (germline): Uncertain significance. Review status: criteria provided, multiple submitters, no conflicts (2 of 4 stars). 2 submissions from 2 submitters: Uncertain significance (2). Last evaluated 2026-07-02.

Conditions:
Hereditary cancer-predisposing syndrome. Also called: Tumor predisposition; Hereditary neoplastic syndrome; Neoplastic Syndromes, Hereditary; Hereditary Cancer Syndrome. Identifiers: Orphanet 140162, MedGen C0027672, MeSH D009386, MONDO:0015356.
Hereditary diffuse gastric adenocarcinoma (HDGC). Also called: DIFFUSE GASTRIC AND LOBULAR BREAST CANCER SYNDROME. Identifiers: Orphanet 26106, MedGen C1708349, MONDO:0007648, OMIM 137215.

Submissions (2):

Ambry Genetics
Classification: Uncertain significance for Hereditary cancer-predisposing syndrome. Last evaluated: 2026-07-02. Review status: criteria provided, single submitter. Criteria: Ambry Variant Classification Scheme 2023. Collection method: clinical testing. Allele origin: germline.
Comment: The p.Q152P variant (also known as c.455A>C), located in coding exon 4 of the CDH1 gene, results from an A to C substitution at nucleotide position 455. The glutamine at codon 152 is replaced by proline, an amino acid with similar properties. This amino acid position is conserved. In addition, the in silico prediction for this alteration is inconclusive. Based on the available evidence, the clinical significance of this variant remains unclear.

Labcorp Genetics (formerly Invitae), Labcorp
Classification: Uncertain significance for Hereditary diffuse gastric adenocarcinoma. Last evaluated: 2020-09-19. Review status: criteria provided, single submitter. Criteria: Invitae Variant Classification Sherloc (09022015). Collection method: clinical testing. Allele origin: germline.
Comment: This variant has not been reported in the literature in individuals with CDH1-related conditions. In summary, the available evidence is currently insufficient to determine the role of this variant in disease. Therefore, it has been classified as a Variant of Uncertain Significance. Algorithms developed to predict the effect of missense changes on protein structure and function are either unavailable or do not agree on the potential impact of this missense change (SIFT: "Tolerated"; PolyPhen-2: "Possibly Damaging"; Align-GVGD: "Class C0"). This variant is not present in population databases (ExAC no frequency). This sequence change replaces glutamine with proline at codon 152 of the CDH1 protein (p.Gln152Pro). The glutamine residue is moderately conserved and there is a moderate physicochemical difference between glutamine and proline.